The following is an entry in ClinVar:

ClinVar aggregate classification (germline): Uncertain significance (1 of 4 stars; one submission).

Conditions:
Marfan syndrome (MFS). Also called: FBN1-Related Marfan Syndrome; MARFAN SYNDROME, TYPE I; Marfan syndrome type 1; Marfan's syndrome; Marfan syndrome, classic. Identifiers: Orphanet 284963, Orphanet 558, MedGen C0024796, MONDO:0007947, OMIM 154700.
Familial thoracic aortic aneurysm and aortic dissection (TAAD). Also called: Thoracic aortic aneurysms and dissections. Identifiers: Orphanet 91387, MedGen C4707243, MONDO:0019625.

Submission:

Labcorp Genetics (formerly Invitae), Labcorp
Classification: Uncertain significance for Marfan syndrome; Familial thoracic aortic aneurysm and aortic dissection. Last evaluated: 2025-08-13. Review status: criteria provided, single submitter. Criteria: Invitae Variant Classification Sherloc (09022015). Collection method: clinical testing. Allele origin: germline.
Comment: This sequence change falls in intron 9 of the FBN1 gene. It does not directly change the encoded amino acid sequence of the FBN1 protein. It affects a nucleotide within the consensus splice site. This variant is not present in population databases (gnomAD no frequency). This variant has not been reported in the literature in individuals affected with FBN1-related conditions. Variants that disrupt the consensus splice site are a relatively common cause of aberrant splicing (PMID: 17576681, 9536098). Algorithms developed to predict the effect of sequence changes on RNA splicing suggest that this variant is not likely to affect RNA splicing. In summary, the available evidence is currently insufficient to determine the role of this variant in disease. Therefore, it has been classified as a Variant of Uncertain Significance.

Literature cited by the submitters: PubMed 17576681; PubMed 9536098.

NM_000138.5(FBN1):c.988+4G>C

Gene: FBN1 (fibrillin 1; minus strand). Cytogenetic location: 15q21.1.
Variant type: single nucleotide variant.
Coding change: c.988+4G>C on transcript NM_000138.5 (MANE Select); 4 bases into the intron after coding-DNA position 988, G replaced by C.
Molecular consequence: intron variant.
Genome position (GRCh38, 1-based): chr15:48,526,126, C>G on the plus strand (G>C on the coding strand, the complement: FBN1 is on the minus strand). VCF-style: chr15-48526126-C-G. GRCh37 (hg19) VCF-style: chr15-48818323-C-G.
Other names: c.988+4G>C (NM_001406716.1).
Identifiers: ClinVar variation 4790737 (VCV004790737.1).